The following is an entry in ClinVar:

NM_001018072.2(ABTB3):c.342C>T (p.Pro114=)

Gene: ABTB3 (ankyrin repeat and BTB domain containing 3; plus strand). Cytogenetic location: 12q23.3.
Variant type: single nucleotide variant.
Coding change: c.342C>T on transcript NM_001018072.2 (MANE Select); coding-DNA position 342, C replaced by T.
Protein change: p.Pro114=; no amino-acid change (proline 114 retained).
Molecular consequence: synonymous variant.
Genome position (GRCh38, 1-based): chr12:107,319,282, C>T. VCF-style: chr12-107319282-C-T. GRCh37 (hg19) VCF-style: chr12-107713059-C-T.
Other names: c.342C>T, p.Pro114= (NM_001347943.2).
Identifiers: ClinVar variation 2643261 (VCV002643261.24), dbSNP rs540664436, ClinGen allele CA6764515.

ClinVar aggregate classification (germline): Likely benign (1 of 4 stars; one submission).

Allele frequency attached by ClinVar (database versions not stated): 1000 Genomes Project 30x 0.00016; 1000 Genomes Project 0.00020; ExAC 0.00048; TOPMed 0.00049; gnomAD 0.00069; gnomAD exomes 0.00089.
gnomAD v4.1: 1,334 of 1,544,882 alleles (0.086%); highest among the groups gnomAD compares: Middle Eastern, 0.13%; 1 homozygote.

Submission:

CeGaT Center for Human Genetics Tuebingen
Classification: Likely benign. Last evaluated: 2022-09-01. Review status: criteria provided, single submitter. Criteria: CeGaT Center For Human Genetics Tuebingen Variant Classification Criteria Version 2. Collection method: clinical testing. Allele origin: germline. Affected: yes. Observed: 1 variant allele.
Comment: ABTB3: BP4, BP7